The following is an entry in ClinVar:

NM_001754.5(RUNX1):c.1358T>C (p.Val453Ala)

Gene: RUNX1 (RUNX family transcription factor 1; minus strand). Cytogenetic location: 21q22.12.
Variant type: single nucleotide variant.
Coding change: c.1358T>C on transcript NM_001754.5 (MANE Select); coding-DNA position 1358, T replaced by C.
Protein change: p.Val453Ala; replaces valine 453 with alanine.
Molecular consequence: missense variant.
Genome position (GRCh38, 1-based): chr21:34,792,220, A>G on the plus strand (T>C on the coding strand, the complement: RUNX1 is on the minus strand). VCF-style: chr21-34792220-A-G. GRCh37 (hg19) VCF-style: chr21-36164517-A-G.
Other names: c.1277T>C, p.Val426Ala (NM_001001890.3); short protein forms V426A, V453A.
Identifiers: ClinVar variation 5028609 (VCV005028609.1).
Genomic context (GRCh38, chr21:34,792,220, plus strand): 5'-TCCAGGCGCGCGGAGGGCGCCATGTTGGTGGGGGAGTTGCTGTGGCTGCCCTCGGCCTCC[A>G]CCACGTCGCTCTGGTTCGGGAGGCTGGGGTTGAGCAGCGCGGAGCCGGTGGAGGCGTTGG-3'
Protein context (NP_001745.2, residues 443-463): NPSLPNQSDV[Val453Ala]EAEGSHSNSP

ClinVar aggregate classification (germline): Uncertain significance (1 of 4 stars; one submission).

Conditions:
Inborn genetic diseases. Identifiers: MedGen C0950123, MeSH D030342.

Submission:

Ambry Genetics
Classification: Uncertain significance for Inborn genetic diseases. Last evaluated: 2026-09-08. Review status: criteria provided, single submitter. Criteria: Ambry Variant Classification Scheme 2023. Collection method: clinical testing. Allele origin: germline.
Comment: The p.V453A variant (also known as c.1358T>C), located in coding exon 8 of the RUNX1 gene, results from a T to C substitution at nucleotide position 1358. The valine at codon 453 is replaced by alanine, an amino acid with similar properties. This amino acid position is well conserved in available vertebrate species. In addition, this alteration is predicted to be tolerated by in silico analysis. Based on the available evidence, the clinical significance of this variant remains unclear.